The following is an entry in ClinVar:

ClinVar aggregate classification (germline): Uncertain significance (1 of 4 stars; one submission).

Allele frequency attached by ClinVar (database versions not stated): TOPMed 0.00001.

Submission:

Labcorp Genetics (formerly Invitae), Labcorp
Classification: Uncertain significance. Last evaluated: 2022-08-21. Review status: criteria provided, single submitter. Criteria: Invitae Variant Classification Sherloc (09022015). Collection method: clinical testing. Allele origin: germline.
Comment: This sequence change replaces isoleucine, which is neutral and non-polar, with valine, which is neutral and non-polar, at codon 719 of the LRP2 protein (p.Ile719Val). This variant is not present in population databases (gnomAD no frequency). This variant has not been reported in the literature in individuals affected with LRP2-related conditions. Advanced modeling of protein sequence and biophysical properties (such as structural, functional, and spatial information, amino acid conservation, physicochemical variation, residue mobility, and thermodynamic stability) performed at Invitae indicates that this missense variant is not expected to disrupt LRP2 protein function. In summary, the available evidence is currently insufficient to determine the role of this variant in disease. Therefore, it has been classified as a Variant of Uncertain Significance.

NM_004525.3(LRP2):c.2155A>G (p.Ile719Val)

Gene: LRP2 (LDL receptor related protein 2; minus strand). Cytogenetic location: 2q31.1.
Variant type: single nucleotide variant.
Coding change: c.2155A>G on transcript NM_004525.3 (MANE Select); coding-DNA position 2155, A replaced by G.
Protein change: p.Ile719Val; replaces isoleucine 719 with valine.
Molecular consequence: missense variant.
Genome position (GRCh38, 1-based): chr2:169,271,069, T>C on the plus strand (A>G on the coding strand, the complement: LRP2 is on the minus strand). VCF-style: chr2-169271069-T-C. GRCh37 (hg19) VCF-style: chr2-170127579-T-C.
Other names: short protein forms I719V.
Identifiers: ClinVar variation 1956876 (VCV001956876.2), dbSNP rs1683402343, ClinGen allele CA349163031.